The following is an entry in ClinVar:

NM_001378457.1(DMXL2):c.5509G>T (p.Ala1837Ser)

Gene: DMXL2 (Dmx like 2; minus strand). Cytogenetic location: 15q21.2.
Variant type: single nucleotide variant.
Coding change: c.5509G>T on transcript NM_001378457.1 (MANE Select); coding-DNA position 5509, G replaced by T.
Protein change: p.Ala1837Ser; replaces alanine 1837 with serine.
Molecular consequence: missense variant. On other transcripts: non-coding transcript variant (2).
Genome position (GRCh38, 1-based): chr15:51,481,597, C>A on the plus strand (G>T on the coding strand, the complement: DMXL2 is on the minus strand). VCF-style: chr15-51481597-C-A. GRCh37 (hg19) VCF-style: chr15-51773794-C-A.
Other names: c.5509G>T, p.Ala1837Ser (NM_001174116.3, NM_001378458.1, NM_001378459.1 and 4 more transcripts); c.3601G>T, p.Ala1201Ser (NM_001174117.3); c.3490G>T, p.Ala1164Ser (NM_001378460.1); c.5269G>T, p.Ala1757Ser (NM_001378464.1); short protein forms A1757S, A1164S, A1201S, A1837S.
Identifiers: ClinVar variation 4718699 (VCV004718699.1).

ClinVar aggregate classification (germline): Uncertain significance (1 of 4 stars; one submission).

gnomAD v4.1: 1 of 1,565,054 alleles (0.000064%); highest among the groups gnomAD compares: Middle Eastern, 0.017%; no homozygotes.

Submission:

Labcorp Genetics (formerly Invitae), Labcorp
Classification: Uncertain significance. Last evaluated: 2025-04-30. Review status: criteria provided, single submitter. Criteria: Invitae Variant Classification Sherloc (09022015). Collection method: clinical testing. Allele origin: germline.
Comment: This sequence change replaces alanine, which is neutral and non-polar, with serine, which is neutral and polar, at codon 1837 of the DMXL2 protein (p.Ala1837Ser). This variant is not present in population databases (gnomAD no frequency). This variant has not been reported in the literature in individuals affected with DMXL2-related conditions. An algorithm developed to predict the effect of missense changes on protein structure and function (PolyPhen-2) suggests that this variant is likely to be tolerated. In summary, the available evidence is currently insufficient to determine the role of this variant in disease. Therefore, it has been classified as a Variant of Uncertain Significance.